The following is an entry in ClinVar:

ClinVar aggregate classification (germline): Uncertain significance (1 of 4 stars; one submission).

Conditions:
Pseudohypoaldosteronism type 2C (PHA2C). Also called: Pseudohypoaldosteronism Type IIC. Identifiers: Orphanet 757, Orphanet 88940, MedGen C1840391, MONDO:0013778, OMIM 614492.
Neuropathy, hereditary sensory and autonomic, type 2A (HSAN2A). Also called: MORVAN DISEASE; NEUROPATHY, CONGENITAL SENSORY; NEUROPATHY, HEREDITARY SENSORY RADICULAR, AUTOSOMAL RECESSIVE; NEUROPATHY, HEREDITARY SENSORY, TYPE IIA; NEUROPATHY, PROGRESSIVE SENSORY, OF CHILDREN; WNK1-Related HSAN2 (HSAN2A). Identifiers: Orphanet 970, MedGen C2752089, MONDO:0024309, OMIM 201300.

Submission:

Labcorp Genetics (formerly Invitae), Labcorp
Classification: Uncertain significance for Neuropathy, hereditary sensory and autonomic, type 2A; Pseudohypoaldosteronism type 2C. Last evaluated: 2019-12-18. Review status: criteria provided, single submitter. Criteria: Invitae Variant Classification Sherloc (09022015). Collection method: clinical testing. Allele origin: germline.
Comment: In summary, the available evidence is currently insufficient to determine the role of this variant in disease. Therefore, it has been classified as a Variant of Uncertain Significance. Algorithms developed to predict the effect of sequence changes on RNA splicing suggest that this variant may create or strengthen a splice site, but this prediction has not been confirmed by published transcriptional studies. Algorithms developed to predict the effect of missense changes on protein structure and function are either unavailable or do not agree on the potential impact of this missense change (SIFT: "Deleterious"; PolyPhen-2: "Not Available"; Align-GVGD: "Class C15"). This variant has not been reported in the literature in individuals with WNK1-related conditions. This variant is not present in population databases (ExAC no frequency). This sequence change replaces aspartic acid with glycine at codon 1893 of the WNK1 protein (p.Asp1893Gly). The aspartic acid residue is highly conserved and there is a moderate physicochemical difference between aspartic acid and glycine.

NM_018979.4(WNK1):c.4922A>G (p.Asp1641Gly)

Gene: WNK1 (WNK lysine deficient protein kinase 1; plus strand). Cytogenetic location: 12p13.33.
Variant type: single nucleotide variant.
Coding change: c.4922A>G on transcript NM_018979.4 (MANE Select); coding-DNA position 4922, A replaced by G.
Protein change: p.Asp1641Gly; replaces aspartic acid 1641 with glycine.
Molecular consequence: missense variant.
Genome position (GRCh38, 1-based): chr12:885,726, A>G. VCF-style: chr12-885726-A-G. GRCh37 (hg19) VCF-style: chr12-994892-A-G.
Other names: c.5702A>G, p.Asp1901Gly (NM_001184985.2); c.4181A>G, p.Asp1394Gly (NM_014823.3); c.5678A>G, p.Asp1893Gly (NM_213655.5); short protein forms D1394G, D1641G, D1893G, D1901G.
Identifiers: ClinVar variation 837243 (VCV000837243.10), dbSNP rs1953587372, ClinGen allele CA383332219.